The following is an entry in ClinVar:

ClinVar aggregate classification (germline): Uncertain significance (1 of 4 stars; one submission).

Allele frequency attached by ClinVar (database versions not stated): gnomAD exomes below 0.00001.
gnomAD v4.1: 1 of 1,612,374 alleles (0.000062%); highest among the groups gnomAD compares: Non-Finnish European, 0.000085%; no homozygotes.

Submission:

GeneDx
Classification: Uncertain significance. Last evaluated: 2023-04-05. Review status: criteria provided, single submitter. Criteria: GeneDx Variant Classification Process June 2021. Collection method: clinical testing. Allele origin: germline. Affected: yes.
Comment: Not observed at significant frequency in large population cohorts (gnomAD); In silico analysis supports that this missense variant does not alter protein structure/function; Has not been previously published as pathogenic or benign to our knowledge

NM_001256012.3(MYH10):c.4492T>C (p.Tyr1498His)

Gene: MYH10 (myosin heavy chain 10; minus strand). Cytogenetic location: 17p13.1.
Variant type: single nucleotide variant.
Coding change: c.4492T>C on transcript NM_001256012.3 (MANE Select); coding-DNA position 4492, T replaced by C.
Protein change: p.Tyr1498His; replaces tyrosine 1498 with histidine.
Molecular consequence: missense variant.
Genome position (GRCh38, 1-based): chr17:8,492,476, A>G on the plus strand (T>C on the coding strand, the complement: MYH10 is on the minus strand). VCF-style: chr17-8492476-A-G. GRCh37 (hg19) VCF-style: chr17-8395794-A-G.
Other names: c.4426T>C, p.Tyr1476His (NM_001256095.2); c.4429T>C, p.Tyr1477His (NM_001375266.1); c.4399T>C, p.Tyr1467His (NM_005964.5); short protein forms Y1467H, Y1476H, Y1477H, Y1498H.
Identifiers: ClinVar variation 2662113 (VCV002662113.1), dbSNP rs2544231500, ClinGen allele CA398030482.